The following is an entry in ClinVar:

ClinVar aggregate classification (germline): Uncertain significance (1 of 4 stars; one submission).

Conditions:
Long QT syndrome (LQTS). Identifiers: MedGen C0023976, MeSH D008133, MONDO:0002442. Disease mechanism: loss of function. Inheritance: Various modes of inheritance.

Allele frequency attached by ClinVar (database versions not stated): gnomAD exomes below 0.00001.

Submission:

Labcorp Genetics (formerly Invitae), Labcorp
Classification: Uncertain significance for Long QT syndrome. Last evaluated: 2022-10-03. Review status: criteria provided, single submitter. Criteria: Invitae Variant Classification Sherloc (09022015). Collection method: clinical testing. Allele origin: germline.
Comment: This sequence change falls in intron 1 of the KCNH2 gene. It does not directly change the encoded amino acid sequence of the KCNH2 protein. It affects a nucleotide within the consensus splice site. This variant is not present in population databases (gnomAD no frequency). This variant has not been reported in the literature in individuals affected with KCNH2-related conditions. Variants that disrupt the consensus splice site are a relatively common cause of aberrant splicing (PMID: 17576681, 9536098). Algorithms developed to predict the effect of sequence changes on RNA splicing suggest that this variant is not likely to affect RNA splicing. In summary, the available evidence is currently insufficient to determine the role of this variant in disease. Therefore, it has been classified as a Variant of Uncertain Significance.

Literature cited by the submitters: PubMed 17576681; PubMed 9536098.

NM_000238.4(KCNH2):c.77-3del

Gene: KCNH2 (potassium voltage-gated channel subfamily H member 2; minus strand). Cytogenetic location: 7q36.1.
Variant type: Deletion.
Coding change: c.77-3del on transcript NM_000238.4 (MANE Select); 3 bases into the intron before coding-DNA position 77, one base deleted (T; older notation c.77-3delT).
Molecular consequence: intron variant.
Genome position (GRCh38, 1-based): chr7:150,974,944, A deleted on the plus strand (T on the coding strand, the reverse complement: KCNH2 is on the minus strand). VCF-style (leftmost placement, unchanged base first): chr7-150974943-TA-T. GRCh37 (hg19) VCF-style: chr7-150672031-TA-T.
Other names: c.77-3del (NM_172056.3); c.-101-3del (NM_001406755.1).
Identifiers: ClinVar variation 2106200 (VCV002106200.4), dbSNP rs1801942689, ClinGen allele CA1752441601.